The following is an entry in ClinVar:

ClinVar aggregate classification (germline): Uncertain significance. Review status: criteria provided, multiple submitters, no conflicts (2 of 4 stars). 2 submissions from 2 submitters: Uncertain significance (2). Last evaluated 2022-10-19.

Conditions:
Inborn genetic diseases. Identifiers: MedGen C0950123, MeSH D030342.

Submissions (2):

GeneDx
Classification: Uncertain significance. Last evaluated: 2022-10-19. Review status: criteria provided, single submitter. Criteria: GeneDx Variant Classification Process June 2021. Collection method: clinical testing. Allele origin: germline. Affected: yes.
Comment: Not observed at significant frequency in large population cohorts (gnomAD); Missense variants in this gene are often considered pathogenic (HGMD); This substitution is predicted to be within the C-terminal cytoplasmic domain; In silico analysis supports that this missense variant does not alter protein structure/function; Has not been previously published as pathogenic or benign to our knowledge

Ambry Genetics
Classification: Uncertain significance for Inborn genetic diseases. Last evaluated: 2018-04-03. Review status: criteria provided, single submitter. Criteria: Ambry Variant Classification Scheme 2023. Collection method: clinical testing. Allele origin: germline.
Comment: The p.A856P variant (also known as c.2566G>C), located in coding exon 17 of the KCNQ2 gene, results from a G to C substitution at nucleotide position 2566. The alanine at codon 856 is replaced by proline, an amino acid with highly similar properties. This amino acid position is not well conserved in available vertebrate species. In addition, this alteration is predicted to be tolerated by in silico analysis. Since supporting evidence is limited at this time, the clinical significance of this alteration remains unclear.

NM_172107.4(KCNQ2):c.2566G>C (p.Ala856Pro)

Gene: KCNQ2 (potassium voltage-gated channel subfamily Q member 2; minus strand). Cytogenetic location: 20q13.33.
Variant type: single nucleotide variant.
Coding change: c.2566G>C on transcript NM_172107.4 (MANE Select); coding-DNA position 2566, G replaced by C.
Protein change: p.Ala856Pro; replaces alanine 856 with proline.
Molecular consequence: missense variant.
Genome position (GRCh38, 1-based): chr20:63,406,697, C>G on the plus strand (G>C on the coding strand, the complement: KCNQ2 is on the minus strand). VCF-style: chr20-63406697-C-G. GRCh37 (hg19) VCF-style: chr20-62038050-C-G.
Other names: c.2620G>C, p.Ala874Pro (NM_001382235.1); c.2482G>C, p.Ala828Pro (NM_004518.6); c.2512G>C, p.Ala838Pro (NM_172106.3); c.2473G>C, p.Ala825Pro (NM_172108.5); short protein forms A874P, A838P, A856P, A825P, A828P.
Identifiers: ClinVar variation 1793174 (VCV001793174.3), dbSNP rs1280612355, ClinGen allele CA409636527.
Genomic context (GRCh38, chr20:63,406,697, plus strand): 5'-CGCCGCCTCACTTCCTGGGCCCGGCCCAGCCCACGTCACCAAAGGGACCCTCGCCGGTGG[C>G]CGAGCGTGGCGGGGGCCCGCACGGGGTACAGAGGTCGGAGTCGGTGTCTGACTCTCCCTC-3'
Protein context (NP_742105.1, residues 846-866): CTPCGPPPRS[Ala856Pro]TGEGPFGDVG